The following is an entry in ClinVar:

NM_032383.5(HPS3):c.2033T>C (p.Leu678Ser)

Gene: HPS3 (HPS3 biogenesis of lysosomal organelles complex 2 subunit 1; plus strand). Cytogenetic location: 3q24.
Variant type: single nucleotide variant.
Coding change: c.2033T>C on transcript NM_032383.5 (MANE Select); coding-DNA position 2033, T replaced by C.
Protein change: p.Leu678Ser; replaces leucine 678 with serine.
Molecular consequence: missense variant.
Genome position (GRCh38, 1-based): chr3:149,160,206, T>C. VCF-style: chr3-149160206-T-C. GRCh37 (hg19) VCF-style: chr3-148877993-T-C.
Other names: c.1538T>C, p.Leu513Ser (NM_001308258.2); short protein forms L678S, L513S.
Identifiers: ClinVar variation 4773521 (VCV004773521.1).

ClinVar aggregate classification (germline): Uncertain significance (1 of 4 stars; one submission).

Submission:

Labcorp Genetics (formerly Invitae), Labcorp
Classification: Uncertain significance. Last evaluated: 2025-07-31. Review status: criteria provided, single submitter. Criteria: Invitae Variant Classification Sherloc (09022015). Collection method: clinical testing. Allele origin: germline.
Comment: This sequence change replaces leucine, which is neutral and non-polar, with serine, which is neutral and polar, at codon 678 of the HPS3 protein (p.Leu678Ser). This variant is not present in population databases (gnomAD no frequency). This variant has not been reported in the literature in individuals affected with HPS3-related conditions. Invitae Evidence Modeling of protein sequence and biophysical properties (such as structural, functional, and spatial information, amino acid conservation, physicochemical variation, residue mobility, and thermodynamic stability) indicates that this missense variant is expected to disrupt HPS3 protein function with a positive predictive value of 80%. In summary, the available evidence is currently insufficient to determine the role of this variant in disease. Therefore, it has been classified as a Variant of Uncertain Significance.